The following is an entry in ClinVar:

NM_021927.3(GUF1):c.1727A>G (p.His576Arg)

Gene: GUF1 (GTP binding elongation factor GUF1; plus strand). Cytogenetic location: 4p12.
Variant type: single nucleotide variant.
Coding change: c.1727A>G on transcript NM_021927.3 (MANE Select); coding-DNA position 1727, A replaced by G.
Protein change: p.His576Arg; replaces histidine 576 with arginine.
Molecular consequence: missense variant. On other transcripts: intron variant (1).
Genome position (GRCh38, 1-based): chr4:44,695,626, A>G. VCF-style: chr4-44695626-A-G. GRCh37 (hg19) VCF-style: chr4-44697643-A-G.
Other names: c.755A>G, p.His252Arg (NM_001345867.2, NM_001345869.2); c.1715+1113A>G (NM_001345868.2); short protein forms H252R, H576R.
Identifiers: ClinVar variation 3675514 (VCV003675514.2).

ClinVar aggregate classification (germline): Uncertain significance (1 of 4 stars; one submission).

gnomAD v4.1: 1 of 1,609,498 alleles (0.000062%); highest among the groups gnomAD compares: Non-Finnish European, 0.000085%; no homozygotes.

Submission:

Labcorp Genetics (formerly Invitae), Labcorp
Classification: Uncertain significance. Last evaluated: 2024-09-09. Review status: criteria provided, single submitter. Criteria: Invitae Variant Classification Sherloc (09022015). Collection method: clinical testing. Allele origin: germline.
Comment: This sequence change replaces histidine, which is basic and polar, with arginine, which is basic and polar, at codon 576 of the GUF1 protein (p.His576Arg). This variant is not present in population databases (gnomAD no frequency). This variant has not been reported in the literature in individuals affected with GUF1-related conditions. An algorithm developed to predict the effect of missense changes on protein structure and function (PolyPhen-2) suggests that this variant is likely to be tolerated. In summary, the available evidence is currently insufficient to determine the role of this variant in disease. Therefore, it has been classified as a Variant of Uncertain Significance.